The following is an entry in ClinVar:

NM_001288705.3(CSF1R):c.647G>A (p.Arg216Gln)

Genes: CSF1R (colony stimulating factor 1 receptor; minus strand), LOC111188154 (RORalpha allelically-responsive CSF1R enhancer; plus strand). Cytogenetic location: 5q32.
Variant type: single nucleotide variant.
Coding change: c.647G>A on transcript NM_001288705.3 (MANE Select); coding-DNA position 647, G replaced by A.
Protein change: p.Arg216Gln; replaces arginine 216 with glutamine.
Molecular consequence: missense variant. On other transcripts: non-coding transcript variant (2).
Genome position (GRCh38, 1-based): chr5:150,078,194, C>T on the plus strand (G>A on the coding strand, the complement: CSF1R is on the minus strand). VCF-style: chr5-150078194-C-T. GRCh37 (hg19) VCF-style: chr5-149457757-C-T.
Other names: c.647G>A, p.Arg216Gln (NM_001349736.2, NM_001375320.1, NM_005211.4); c.203G>A, p.Arg68Gln (NM_001375321.1); c.647G>A (NM_005211.3); short protein forms R216Q, R68Q.
Identifiers: ClinVar variation 374038 (VCV000374038.7), dbSNP rs750413238, ClinGen allele CA3507118.

ClinVar aggregate classification (germline): Conflicting classifications of pathogenicity. Review status: criteria provided, conflicting classifications (1 of 4 stars). 3 submissions from 3 submitters: Uncertain significance (2); Likely benign (1). Last evaluated 2025-02-04.

Conditions:
Inborn genetic diseases. Identifiers: MedGen C0950123, MeSH D030342.
Parkinsonian disorder. Also called: Parkinsonism. Identifiers: MedGen C0242422, MONDO:0021095, HP:0001300.

Allele frequency attached by ClinVar (database versions not stated): TOPMed 0.00001; gnomAD 0.00002; gnomAD exomes 0.00002; ExAC 0.00004.
gnomAD v4.1: 33 of 1,613,990 alleles (0.002%); highest among the groups gnomAD compares: Admixed American, 0.0033%; no homozygotes.

Submissions (3):

Labcorp Genetics (formerly Invitae), Labcorp
Classification: Uncertain significance. Last evaluated: 2025-02-04. Review status: criteria provided, single submitter. Criteria: Invitae Variant Classification Sherloc (09022015). Collection method: clinical testing. Allele origin: germline.
Comment: This sequence change replaces arginine, which is basic and polar, with glutamine, which is neutral and polar, at codon 216 of the CSF1R protein (p.Arg216Gln). This variant is present in population databases (rs750413238, gnomAD 0.006%). This variant has not been reported in the literature in individuals affected with CSF1R-related conditions. ClinVar contains an entry for this variant (Variation ID: 374038). Invitae Evidence Modeling of protein sequence and biophysical properties (such as structural, functional, and spatial information, amino acid conservation, physicochemical variation, residue mobility, and thermodynamic stability) indicates that this missense variant is not expected to disrupt CSF1R protein function with a negative predictive value of 95%. In summary, the available evidence is currently insufficient to determine the role of this variant in disease. Therefore, it has been classified as a Variant of Uncertain Significance.

Ambry Genetics
Classification: Likely benign for Inborn genetic diseases. Last evaluated: 2021-12-13. Review status: criteria provided, single submitter. Criteria: Ambry Variant Classification Scheme 2023. Collection method: clinical testing. Allele origin: germline.

Centre for Mendelian Genomics, University Medical Centre Ljubljana
Classification: Uncertain significance for Parkinsonian disorder. Last evaluated: 2014-02-17. Review status: criteria provided, single submitter. Criteria: ACMG Guidelines, 2015. Collection method: clinical testing. Allele origin: unknown. Affected: yes.